The following is an entry in ClinVar:

NM_013339.4(ALG6):c.894AAT[1] (p.Ile299del)

Gene: ALG6 (ALG6 alpha-1,3-glucosyltransferase; plus strand). Cytogenetic location: 1p31.3.
Variant type: Microsatellite.
Coding change: c.894AAT[1] on transcript NM_013339.4 (MANE Select); one copy of the 3-base unit AAT starting at c.894; the reference has two copies in a row; one copy, 3 bases deleted; also written c.897_899del.
Protein change: p.Ile299del; deletes isoleucine 299.
Molecular consequence: inframe deletion.
Genome position (GRCh38, 1-based): chr1:63,414,141-63,414,143, AAT deleted; deleting any 3 consecutive bases within chr1:63,414,137-63,414,143 gives the same sequence; the position shown is the placement nearest the transcript's 3' end. VCF-style (leftmost placement, unchanged base first): chr1-63414136-TTAA-T. GRCh37 (hg19) VCF-style: chr1-63879807-TTAA-T.
Other names: c.897_899del (NM_013339.4); short protein forms I299del.
Identifiers: ClinVar variation 30420 (VCV000030420.18), dbSNP rs387906338, ClinGen allele CA259807.
Genomic context (GRCh38, chr1:63,414,136, plus strand): 5'-ATTTGGTGCAGCTTCAATGTCTTTCTGAAGATTAAGGATATTTTGCCACGTCACATCCAA[TTAA>T]TAATGAGGTAAGAGAAACAAAGTTTGTATGTAGTATTTTATAAGTTACTCTTTAAAAGCA-3'

ClinVar aggregate classification (germline): Pathogenic/Likely pathogenic. Review status: criteria provided, multiple submitters, no conflicts (2 of 4 stars). 7 submissions from 7 submitters: Pathogenic (1); Likely pathogenic (2). 4 of the submissions do not count toward it. Last evaluated 2025-07-09.

Conditions:
ALG6-congenital disorder of glycosylation 1C (CDG1C). Also called: Congenital disorder of glycosylation type 1C; CDG Ic; Congenital disorder of glycosylation, type Ic; CARBOHYDRATE-DEFICIENT GLYCOPROTEIN SYNDROME, TYPE I, WITH DEFICIENT GLYCOSYLATION OF DOLICHOL-LINKED OLIGOSACCHARIDE; CARBOHYDRATE-DEFICIENT GLYCOPROTEIN SYNDROME, TYPE V. Identifiers: Orphanet 79320, MedGen C2930997, MONDO:0011291, OMIM 603147.

Submissions (7):

Labcorp Genetics (formerly Invitae), Labcorp
Classification: Pathogenic for ALG6-congenital disorder of glycosylation 1C. Last evaluated: 2025-07-09. Review status: criteria provided, single submitter. Criteria: Invitae Variant Classification Sherloc (09022015). Collection method: clinical testing. Allele origin: germline.
Comment: This variant, c.897_899del, results in the deletion of 1 amino acid(s) of the ALG6 protein (p.Ile299del), but otherwise preserves the integrity of the reading frame. This variant is present in population databases (rs753111873, gnomAD 0.006%). This variant has been observed in individual(s) with congenital disorder of glycosylation 1c (PMID: 10924277, 27287710). In at least one individual the data is consistent with being in trans (on the opposite chromosome) from a pathogenic variant. ClinVar contains an entry for this variant (Variation ID: 30420). For these reasons, this variant has been classified as Pathogenic.

GeneDx
Classification: Likely pathogenic. Last evaluated: 2022-02-21. Review status: criteria provided, single submitter. Criteria: GeneDx Variant Classification Process June 2021. Collection method: clinical testing. Allele origin: germline. Affected: yes.
Comment: In-frame deletion of one amino acid in a non-repeat region; Commonly identified and reported variant in patients with CDG-Ic (Hanefeld et al., 2000; Sun et al., 2005; Morava et al., 2006); In silico analysis supports that this missense variant has a deleterious effect on protein structure/function; Not observed at a significant frequency in large population cohorts (gnomAD); This variant is associated with the following publications: (PMID: 10924277, 21811164, 10832578, 12855228, 16007612, 27287710, 27535533)

Fulgent Genetics
Classification: Likely pathogenic for ALG6-congenital disorder of glycosylation 1C. Last evaluated: 2021-10-19. Review status: criteria provided, single submitter. Criteria: ACMG Guidelines, 2015. Collection method: clinical testing. Allele origin: unknown.

OMIM
Classification: Pathogenic for CONGENITAL DISORDER OF GLYCOSYLATION, TYPE Ic. Last evaluated: 2000-07-01. Review status: no assertion criteria provided. Collection method: literature only. Allele origin: germline. Not counted in ClinVar's aggregate classification.

Clinical Genetics DNA and cytogenetics Diagnostics Lab, Erasmus MC, Erasmus Medical Center
Classification: Pathogenic. Review status: no assertion criteria provided. Collection method: clinical testing. Allele origin: germline. Affected: yes. Study: VKGL Data-share Consensus. Not counted in ClinVar's aggregate classification.

Diagnostic Laboratory, Department of Genetics, University Medical Center Groningen
Classification: Pathogenic. Review status: no assertion criteria provided. Collection method: clinical testing. Allele origin: germline. Affected: yes. Study: VKGL Data-share Consensus. Not counted in ClinVar's aggregate classification.

Genome Diagnostics Laboratory, Amsterdam University Medical Center
Classification: Likely pathogenic. Review status: no assertion criteria provided. Collection method: clinical testing. Allele origin: germline. Affected: yes. Study: VKGL Data-share Consensus. Not counted in ClinVar's aggregate classification.

Literature cited by the submitters: PubMed 10924277 (cited by Labcorp Genetics (formerly Invitae), Labcorp and OMIM); PubMed 27287710 (cited by Labcorp Genetics (formerly Invitae), Labcorp).